The following is an entry in ClinVar:

ClinVar aggregate classification (germline): Benign. Review status: criteria provided, multiple submitters, no conflicts (2 of 4 stars). 2 submissions from 2 submitters: Benign (2). Last evaluated 2018-01-13.

Conditions:
Ellis-van Creveld syndrome (EVC). Also called: EVC-Related Ellis-van Creveld Syndrome; EVC2-Related Ellis-van Creveld Syndrome; MESOECTODERMAL DYSPLASIA; Chondroectodermal dysplasia. Identifiers: Orphanet 289, MedGen C0013903, MONDO:0009162, OMIM 225500.

Allele frequency attached by ClinVar (database versions not stated): TOPMed 0.24817; gnomAD 0.25768 and 0.26298; 1000 Genomes Project 30x 0.26452; 1000 Genomes Project 0.27017; gnomAD exomes 0.38889.
gnomAD v4.1: 39,953 of 152,094 alleles (26%); highest among the groups gnomAD compares: South Asian, 39%; 5,549 homozygotes.

Submissions (2):

Illumina Laboratory Services, Illumina
Classification: Benign for Ellis-van Creveld syndrome. Last evaluated: 2018-01-13. Review status: criteria provided, single submitter. Criteria: ICSL Variant Classification Criteria 13 December 2019. Collection method: clinical testing. Allele origin: germline.
Comment: This variant was observed in the ICSL laboratory as part of a predisposition screen in an ostensibly healthy population. It had not been previously curated by ICSL or reported in the Human Gene Mutation Database (HGMD: prior to June 1st, 2018), and was therefore a candidate for classification through an automated scoring system. Utilizing variant allele frequency, disease prevalence and penetrance estimates, and inheritance mode, an automated score was calculated to assess if this variant is too frequent to cause the disease. Based on the score and internal cut-off values, a variant classified as benign is not then subjected to further curation. The score for this variant resulted in a classification of benign for this disease.

Breakthrough Genomics
Classification: Benign. Review status: criteria provided, single submitter. Criteria: ACMG Guidelines, 2015. Collection method: not provided. Allele origin: germline. Inheritance: Autosomal recessive inheritance. Affected: yes.

NM_153717.3(EVC):c.*2268G>A

Gene: EVC (EvC ciliary complex subunit 1; plus strand). Cytogenetic location: 4p16.2.
Variant type: single nucleotide variant.
Coding change: c.*2268G>A on transcript NM_153717.3 (MANE Select); 2268 bases downstream of the stop codon, G replaced by A.
Molecular consequence: 3 prime UTR variant.
Genome position (GRCh38, 1-based): chr4:5,813,305, G>A. VCF-style: chr4-5813305-G-A. GRCh37 (hg19) VCF-style: chr4-5815032-G-A.
Other names: c.*2268G>A (NM_001306090.2).
Identifiers: ClinVar variation 349266 (VCV000349266.6), dbSNP rs4261923, ClinGen allele CA10621414.